The following is an entry in ClinVar:

NM_000053.4(ATP7B):c.3799G>A (p.Asp1267Asn)

Gene: ATP7B (ATPase copper transporting beta; minus strand). Cytogenetic location: 13q14.3.
Variant type: single nucleotide variant.
Coding change: c.3799G>A on transcript NM_000053.4 (MANE Select); coding-DNA position 3799, G replaced by A.
Protein change: p.Asp1267Asn; replaces aspartic acid 1267 with asparagine.
Molecular consequence: missense variant. On other transcripts: intron variant (1).
Genome position (GRCh38, 1-based): chr13:51,937,580, C>T on the plus strand (G>A on the coding strand, the complement: ATP7B is on the minus strand). VCF-style: chr13-51937580-C-T. GRCh37 (hg19) VCF-style: chr13-52511716-C-T.
Other names: c.3664G>A, p.Asp1222Asn (NM_001406519.1); c.3655G>A, p.Asp1219Asn (NM_001406520.1, NM_001406521.1, NM_001406522.1); c.3616G>A, p.Asp1206Asn (NM_001406523.1); c.3622G>A, p.Asp1208Asn (NM_001406524.1); c.3604G>A, p.Asp1202Asn (NM_001406525.1); c.3565G>A, p.Asp1189Asn (NM_001406527.1, NM_001406528.1, NM_001330578.2); c.3559G>A, p.Asp1187Asn (NM_001406530.1); c.3547G>A, p.Asp1183Asn (NM_001406531.1, NM_001406532.1, NM_001330579.2); and 21 more; short protein forms D1040N, D1051N, D1060N, D1073N, D1103N, D1105N, D1118N, D1124N.
Identifiers: ClinVar variation 4815469 (VCV004815469.1).
Genomic context (GRCh38, chr13:51,937,580, plus strand): 5'-CGGTGCCAATGGCCACACCCATGTCTGCCTGGGCCAAGGCCGGGGAGTCATTGACCCCAT[C>T]CCCCACCATGGCGACTTTCTTCCCTTTATTCTGGAGCTCCTGGACCTTGGCCACCTTGTG-3'
Protein context (NP_000044.2, residues 1257-1277): NKGKKVAMVG[Asp1267Asn]GVNDSPALAQ

ClinVar aggregate classification (germline): Likely pathogenic (1 of 4 stars; one submission).

Conditions:
Wilson disease (WND). Also called: Wilson's disease. Identifiers: Orphanet 905, MedGen C0019202, MONDO:0010200, OMIM 277900. Disease mechanism: loss of function.

Submission:

Natera, Inc.
Classification: Likely pathogenic for Wilson disease. Last evaluated: 2025-04-11. Review status: criteria provided, single submitter. Criteria: Natera Variant Classification Schema (03/2026). Collection method: clinical testing. Allele origin: germline.
Comment: The c.3799G>A variant in ATP7B is a missense variant predicted to cause substitution of aspartic acid to asparagine at amino acid 1267. This variant is rare in the general population with a frequency below the threshold expected for the associated phenotype(s). This variant has been observed in one or more individuals affected with the associated recessive disease, as either homozygous or compound heterozygous with a second variant (PMID: 35220961). A different variant at the same position has been determined to be Pathogenic or Likely Pathogenic. Computational prediction algorithms indicate this variant is likely to affect gene or protein function. Given the available evidence, this variant is classified as Likely Pathogenic.

Literature cited by the submitters: PubMed 35220961.